The following is an entry in ClinVar:

NM_001040716.2(PC):c.1082dup (p.Leu362fs)

Gene: PC (pyruvate carboxylase; minus strand). Cytogenetic location: 11q13.2.
Variant type: Duplication.
Coding change: c.1082dup on transcript NM_001040716.2 (MANE Select); coding-DNA position 1082, one base duplicated (G; older notation c.1082dupG).
Protein change: p.Leu362fs; shifts the reading frame from leucine 362.
Molecular consequence: frameshift variant.
Genome position (GRCh38, 1-based): chr11:66,866,290, C duplicated on the plus strand (G on the coding strand, the reverse complement: PC is on the minus strand); the first of 3 consecutive C bases (chr11:66,866,290-66,866,292); duplicating any one gives the same sequence. VCF-style (leftmost placement, unchanged base first): chr11-66866289-G-GC. GRCh37 (hg19) VCF-style: chr11-66633760-G-GC.
Other names: c.1082dup, p.Leu362fs (NM_000920.4, NM_001439352.1, NM_001439353.1 and 5 more transcripts); short protein forms L362fs.
Identifiers: ClinVar variation 5012130 (VCV005012130.1).
Genomic context (GRCh38, chr11:66,866,289, plus strand): 5'-CTCGGTGGTGACCCGGCACTGGATGGCACACCCGTTGATGCGGATGTTCTCCTGCCGCAG[G>GC]CCCAGGTCGGGTAGGCTCCTGCCCTCAGCCACGTGGATCTGAGCATGGACCAGGTCTACG-3'

ClinVar aggregate classification (germline): Pathogenic (1 of 4 stars; one submission).

Conditions:
Pyruvate carboxylase deficiency. Also called: ATAXIA WITH LACTIC ACIDOSIS II; LEIGH NECROTIZING ENCEPHALOPATHY DUE TO PYRUVATE CARBOXYLASE DEFICIENCY; LEIGH SYNDROME DUE TO PYRUVATE CARBOXYLASE DEFICIENCY; PC DEFICIENCY; Pyruvate Carboxylase Deficiency Disease. Identifiers: Orphanet 3008, MedGen C0034341, MONDO:0009949, OMIM 266150.

Submission:

Myriad Genetics, Inc.
Classification: Pathogenic for Pyruvate carboxylase deficiency. Last evaluated: 2023-09-27. Review status: criteria provided, single submitter. Criteria: Myriad Autosomal Dominant, Autosomal Recessive and X-Linked Classification Criteria (2023). Collection method: clinical testing. Allele origin: unknown.
Comment: NM_000920.3(PC):c.1082dupG(L362Pfs*34) is expected to be pathogenic in the context of pyruvate carboxylase deficiency. This variant is predicted to lead to an abnormal or absent protein product due to the creation of a premature termination codon in PC, a gene where loss-of-function variants are known to be pathogenic. Please note: this variant was assessed in the context of healthy population screening.